The following is an entry in ClinVar:

ClinVar aggregate classification (germline): Pathogenic (1 of 4 stars; one submission).

Conditions:
Variegate porphyria (VP). Also called: PORPHYRIA, SOUTH AFRICAN TYPE; PROTOPORPHYRINOGEN OXIDASE DEFICIENCY; PPOX DEFICIENCY. Identifiers: Orphanet 79473, MedGen C0162532, MONDO:0008297, OMIM 176200.

Submission:

Department of Dermatology, Peking Union Medical College Hospital
Classification: Pathogenic for Variegate porphyria. Last evaluated: 2026-08-26. Review status: criteria provided, single submitter. Criteria: ACMG Guidelines, 2015. Collection method: provider interpretation. Allele origin: germline. Inheritance: Autosomal dominant inheritance. Affected: yes and no. Observed: 3 variant alleles, 3 heterozygotes. Clinical features observed: Erythema (HP:0010783), Hyperpigmentation of the skin (HP:0000953), Hypopigmentation of the skin (HP:0001010), Scarring (HP:0100699), Skin ulcer (HP:0200042), Increased erythrocyte protoporphyrin concentration (HP:0012187).
Comment: Classified as pathogenic using PVS1, PM2_Supporting and PP4. PVS1: the 17-bp deletion NM_001122764.1:c.471+2_471+18del includes the canonical +2 splice-donor position and is expected to disrupt normal splicing and cause PPOX loss of function, an established mechanism of variegate porphyria. PM2_Supporting: the testing laboratory reported that the variant was absent from population-based cohorts in the Genome Aggregation Database (gnomAD). PP4: the variant was observed in an affected proband and affected mother with phenotypes consistent with variegate porphyria. In summary, this variant meets criteria for a pathogenic classification: PVS1, PM2_Supporting and PP4.

NM_001122764.3(PPOX):c.471+2_471+18del

Gene: PPOX (protoporphyrinogen oxidase; plus strand). Cytogenetic location: 1q23.3.
Variant type: Deletion.
Coding change: c.471+2_471+18del on transcript NM_001122764.3 (MANE Select); the canonical splice donor site of the intron after coding-DNA position 471 through 18 bases into the intron after coding-DNA position 471, 17 bases deleted (TGACACTTGCCCAGAGG).
Molecular consequence: splice donor variant. On other transcripts: intron variant (2).
Genome position (GRCh38, 1-based): chr1:161,168,129-161,168,145, TGACACTTGCCCAGAGG deleted; deleting any 17 consecutive bases within chr1:161,168,125-161,168,145 gives the same sequence; the c. name uses the placement nearest the transcript's 3' end. VCF-style (leftmost placement, unchanged base first): chr1-161168124-TGAGGTGACACTTGCCCA-T. GRCh37 (hg19) VCF-style: chr1-161137914-TGAGGTGACACTTGCCCA-T.
Other names: NM_001122764.1:c.469_471+14delGAGGTGACACTTGCCCA; c.-16+2_-16+18del (NM_001350130.2, NM_001365401.1); c.354-284_354-268del (NM_001350128.2); c.44+2_44+18del (NM_001350129.2, NM_001365400.1); c.471+2_471+18del (NM_001365399.1, NM_000309.5, NM_001365398.1); c.-34-284_-34-268del (NM_001350131.2).
Identifiers: ClinVar variation 5010287 (VCV005010287.1).